The following is an entry in ClinVar:

ClinVar aggregate classification (germline): Uncertain significance (1 of 4 stars; one submission).

Allele frequency attached by ClinVar (database versions not stated): gnomAD exomes 0.00001; ExAC 0.00002; gnomAD 0.00002; TOPMed 0.00002.
gnomAD v4.1: 66 of 1,613,854 alleles (0.0041%); highest among the groups gnomAD compares: Non-Finnish European, 0.0056%; no homozygotes.

Submission:

Labcorp Genetics (formerly Invitae), Labcorp
Classification: Uncertain significance. Last evaluated: 2022-07-26. Review status: criteria provided, single submitter. Criteria: Invitae Variant Classification Sherloc (09022015). Collection method: clinical testing. Allele origin: germline.
Comment: This sequence change replaces proline, which is neutral and non-polar, with glutamine, which is neutral and polar, at codon 2568 of the DMXL2 protein (p.Pro2568Gln). This variant is present in population databases (rs746177867, gnomAD 0.003%). This variant has not been reported in the literature in individuals affected with DMXL2-related conditions. ClinVar contains an entry for this variant (Variation ID: 1475949). Algorithms developed to predict the effect of missense changes on protein structure and function are either unavailable or do not agree on the potential impact of this missense change (SIFT: "Deleterious"; PolyPhen-2: "Probably Damaging"; Align-GVGD: "Class C0"). In summary, the available evidence is currently insufficient to determine the role of this variant in disease. Therefore, it has been classified as a Variant of Uncertain Significance.

NM_001378457.1(DMXL2):c.7703C>A (p.Pro2568Gln)

Gene: DMXL2 (Dmx like 2; minus strand). Cytogenetic location: 15q21.2.
Variant type: single nucleotide variant.
Coding change: c.7703C>A on transcript NM_001378457.1 (MANE Select); coding-DNA position 7703, C replaced by A.
Protein change: p.Pro2568Gln; replaces proline 2568 with glutamine.
Molecular consequence: missense variant. On other transcripts: non-coding transcript variant (1), intron variant (2).
Genome position (GRCh38, 1-based): chr15:51,464,780, G>T on the plus strand (C>A on the coding strand, the complement: DMXL2 is on the minus strand). VCF-style: chr15-51464780-G-T. GRCh37 (hg19) VCF-style: chr15-51756977-G-T.
Other names: c.7703C>A, p.Pro2568Gln (NM_001174116.3, NM_001378461.1); c.5792C>A, p.Pro1931Gln (NM_001174117.3); c.7700C>A, p.Pro2567Gln (NM_001378458.1, NM_001378462.1, NM_015263.5); c.5681C>A, p.Pro1894Gln (NM_001378460.1); c.7460C>A, p.Pro2487Gln (NM_001378464.1); c.7521-1284C>A (NM_001378459.1); c.7606+786C>A (NM_001378463.1); short protein forms P1931Q, P2567Q, P2487Q, P2568Q, P1894Q.
Identifiers: ClinVar variation 1475949 (VCV001475949.3), dbSNP rs746177867, ClinGen allele CA7561249.